The following is an entry in ClinVar:

ClinVar aggregate classification (germline): Uncertain significance. Review status: criteria provided, multiple submitters, no conflicts (2 of 4 stars). 3 submissions from 3 submitters: Uncertain significance (3). Last evaluated 2026-01-01.

Conditions:
Hereditary cancer-predisposing syndrome. Also called: Tumor predisposition; Hereditary Cancer Syndrome; Hereditary neoplastic syndrome; Neoplastic Syndromes, Hereditary. Identifiers: Orphanet 140162, MedGen C0027672, MeSH D009386, MONDO:0015356.
Tuberous sclerosis 1 (TSC1). Identifiers: Orphanet 805, MedGen C1854465, MONDO:0008612, OMIM 191100.

Submissions (3):

CeGaT Center for Human Genetics Tuebingen
Classification: Uncertain significance. Last evaluated: 2026-01-01. Review status: criteria provided, single submitter. Criteria: CeGaT Center For Human Genetics Tuebingen Variant Classification Criteria Version 2. Collection method: clinical testing. Allele origin: germline. Affected: yes. Observed: 1 variant allele.
Comment: TSC1: PM2, PP2, BP4

Labcorp Genetics (formerly Invitae), Labcorp
Classification: Uncertain significance for Tuberous sclerosis 1. Last evaluated: 2025-08-07. Review status: criteria provided, single submitter. Criteria: Invitae Variant Classification Sherloc (09022015). Collection method: clinical testing. Allele origin: germline.
Comment: This sequence change replaces valine, which is neutral and non-polar, with alanine, which is neutral and non-polar, at codon 877 of the TSC1 protein (p.Val877Ala). This variant is not present in population databases (gnomAD no frequency). This variant has not been reported in the literature in individuals affected with TSC1-related conditions. ClinVar contains an entry for this variant (Variation ID: 572776). Invitae Evidence Modeling of protein sequence and biophysical properties (such as structural, functional, and spatial information, amino acid conservation, physicochemical variation, residue mobility, and thermodynamic stability) indicates that this missense variant is not expected to disrupt TSC1 protein function with a negative predictive value of 95%. In summary, the available evidence is currently insufficient to determine the role of this variant in disease. Therefore, it has been classified as a Variant of Uncertain Significance.

Ambry Genetics
Classification: Uncertain significance for Hereditary cancer-predisposing syndrome. Last evaluated: 2024-01-07. Review status: criteria provided, single submitter. Criteria: Ambry Variant Classification Scheme 2023. Collection method: clinical testing. Allele origin: germline.
Comment: The p.V877A variant (also known as c.2630T>C), located in coding exon 19 of the TSC1 gene, results from a T to C substitution at nucleotide position 2630. The valine at codon 877 is replaced by alanine, an amino acid with similar properties. This amino acid position is conserved. In addition, this alteration is predicted to be tolerated by in silico analysis. Since supporting evidence is limited at this time, the clinical significance of this alteration remains unclear.

NM_000368.5(TSC1):c.2630T>C (p.Val877Ala)

Gene: TSC1 (TSC complex subunit 1; minus strand). Cytogenetic location: 9q34.13.
Variant type: single nucleotide variant.
Coding change: c.2630T>C on transcript NM_000368.5 (MANE Select); coding-DNA position 2630, T replaced by C.
Protein change: p.Val877Ala; replaces valine 877 with alanine.
Molecular consequence: missense variant.
Genome position (GRCh38, 1-based): chr9:132,897,606, A>G on the plus strand (T>C on the coding strand, the complement: TSC1 is on the minus strand). VCF-style: chr9-132897606-A-G. GRCh37 (hg19) VCF-style: chr9-135772993-A-G.
Other names: c.2627T>C, p.Val876Ala (NM_001162426.2); c.2477T>C, p.Val826Ala (NM_001162427.2); c.2267T>C, p.Val756Ala (NM_001362177.2); short protein forms V877A, V756A, V826A, V876A.
Identifiers: ClinVar variation 572776 (VCV000572776.15), dbSNP rs1564472328, ClinGen allele CA375369712.